The following is an entry in ClinVar:

NC_000008.10:g.(?_87616301)_(87755855_?)del

Gene: CNGB3 (cyclic nucleotide gated channel subunit beta 3; minus strand). Cytogenetic location: 8q21.3.
Variant type: Deletion.
Identifiers: ClinVar variation 2426510 (VCV002426510.4).

ClinVar aggregate classification (germline): Pathogenic (1 of 4 stars; one submission).

Submission:

Labcorp Genetics (formerly Invitae), Labcorp
Classification: Pathogenic. Last evaluated: 2022-07-11. Review status: criteria provided, single submitter. Criteria: Invitae Variant Classification Sherloc (09022015). Collection method: clinical testing. Allele origin: germline.
Comment: This variant is a gross deletion of the genomic region encompassing exon(s) 1-15 of the CNGB3 gene, which includes the initiator codon. This deletion extends beyond the assayed region for this gene and therefore may encompass additional genes. It is expected to result in an absent or disrupted protein product. Loss-of-function variants in CNGB3 are known to be pathogenic (PMID: 28795510). For these reasons, this variant has been classified as Pathogenic. This variant has not been reported in the literature in individuals affected with CNGB3-related conditions.

Literature cited by the submitters: PubMed 28795510.